The following is an entry in ClinVar:

ClinVar aggregate classification (germline): Likely pathogenic (1 of 4 stars; one submission).

Conditions:
Fanconi anemia (FA). Also called: Fanconi's anemia. Identifiers: Orphanet 84, MedGen C0015625, MeSH D005199, MONDO:0019391.

Submission:

Labcorp Genetics (formerly Invitae), Labcorp
Classification: Likely pathogenic for Fanconi anemia. Last evaluated: 2024-12-13. Review status: criteria provided, single submitter. Criteria: Invitae Variant Classification Sherloc (09022015). Collection method: clinical testing. Allele origin: germline.
Comment: This sequence change creates a premature translational stop signal (p.Leu241Phefs*20) in the FANCF gene. While this is not anticipated to result in nonsense mediated decay, it is expected to disrupt the last 134 amino acid(s) of the FANCF protein. This variant is not present in population databases (gnomAD no frequency). This variant has not been reported in the literature in individuals affected with FANCF-related conditions. This variant disrupts the C-terminus of the FANCF protein, which is important for proper protein interaction of the FA complex. Experimental studies have shown that disruption of the C-terminus affects FANCF protein function (PMID: 12649160, 11063725, 15262960, 17082180). In summary, the currently available evidence indicates that the variant is pathogenic, but additional data are needed to prove that conclusively. Therefore, this variant has been classified as Likely Pathogenic.

Literature cited by the submitters: PubMed 12649160; PubMed 11063725; PubMed 15262960; PubMed 17082180.

NM_022725.4(FANCF):c.721del (p.Leu241fs)

Gene: FANCF (FA complementation group F; minus strand). Cytogenetic location: 11p14.3.
Variant type: Deletion.
Coding change: c.721del on transcript NM_022725.4 (MANE Select); coding-DNA position 721, one base deleted (C; older notation c.721delC).
Protein change: p.Leu241fs; shifts the reading frame from leucine 241.
Molecular consequence: frameshift variant.
Genome position (GRCh38, 1-based): chr11:22,625,090, G deleted on the plus strand (C on the coding strand, the reverse complement: FANCF is on the minus strand). VCF-style (leftmost placement, unchanged base first): chr11-22625089-AG-A. GRCh37 (hg19) VCF-style: chr11-22646635-AG-A.
Other names: short protein forms L241fs.
Identifiers: ClinVar variation 3724007 (VCV003724007.2).
Genomic context (GRCh38, chr11:22,625,089, plus strand): 5'-GTCAAAAGCCCGGCTGGGAGGGCGCGACAAAAGGCAGCAAAGACTTCCGAATTCCCCAGA[AG>A]CCAGTGGACTAGCACTTGGCTCCCCTCTCCAGGTGATTTGTGGATGCCGGGTTCCAACTC-3'